The following is an entry in ClinVar:

ClinVar aggregate classification (germline): Uncertain significance. Review status: criteria provided, multiple submitters, no conflicts (2 of 4 stars). 2 submissions from 2 submitters: Uncertain significance (2). Last evaluated 2026-09-09.

Conditions:
Multiple endocrine neoplasia, type 1 (MEN1). Also called: MEA I; MEN I; WERMER SYNDROME; Endocrine adenomatosis multiple; MEN 1. Identifiers: Orphanet 652, MedGen C0025267, MeSH D018761, MONDO:0007540, OMIM 131100.
Hereditary cancer-predisposing syndrome. Also called: Hereditary Cancer Syndrome; Hereditary neoplastic syndrome; Neoplastic Syndromes, Hereditary; Tumor predisposition. Identifiers: Orphanet 140162, MedGen C0027672, MeSH D009386, MONDO:0015356.

Submissions (2):

Ambry Genetics
Classification: Uncertain significance for Hereditary cancer-predisposing syndrome. Last evaluated: 2026-09-09. Review status: criteria provided, single submitter. Criteria: Ambry Variant Classification Scheme 2023. Collection method: clinical testing. Allele origin: germline.
Comment: The p.S66T variant (also known as c.197G>C), located in coding exon 1 of the MEN1 gene, results from a G to C substitution at nucleotide position 197. The serine at codon 66 is replaced by threonine, an amino acid with similar properties. This amino acid position is conserved. In addition, the in silico prediction for this alteration is inconclusive. Based on the available evidence, the clinical significance of this variant remains unclear.

Labcorp Genetics (formerly Invitae), Labcorp
Classification: Uncertain significance for Multiple endocrine neoplasia, type 1. Last evaluated: 2022-10-18. Review status: criteria provided, single submitter. Criteria: Invitae Variant Classification Sherloc (09022015). Collection method: clinical testing. Allele origin: germline.
Comment: This variant is not present in population databases (gnomAD no frequency). This sequence change replaces serine, which is neutral and polar, with threonine, which is neutral and polar, at codon 66 of the MEN1 protein (p.Ser66Thr). This variant has not been reported in the literature in individuals affected with MEN1-related conditions. In summary, the available evidence is currently insufficient to determine the role of this variant in disease. Therefore, it has been classified as a Variant of Uncertain Significance. Algorithms developed to predict the effect of missense changes on protein structure and function (SIFT, PolyPhen-2, Align-GVGD) all suggest that this variant is likely to be tolerated.

NM_001370259.2(MEN1):c.197G>C (p.Ser66Thr)

Gene: MEN1 (menin 1; minus strand). Cytogenetic location: 11q13.1.
Variant type: single nucleotide variant.
Coding change: c.197G>C on transcript NM_001370259.2 (MANE Select); coding-DNA position 197, G replaced by C.
Protein change: p.Ser66Thr; replaces serine 66 with threonine.
Molecular consequence: missense variant. On other transcripts: non-coding transcript variant (4).
Genome position (GRCh38, 1-based): chr11:64,809,913, C>G on the plus strand (G>C on the coding strand, the complement: MEN1 is on the minus strand). VCF-style: chr11-64809913-C-G. GRCh37 (hg19) VCF-style: chr11-64577385-C-G.
Other names: c.197G>C, p.Ser66Thr (NM_000244.4, NM_001370251.2, NM_001370260.2 and 20 more transcripts); short protein forms S66T.
Identifiers: ClinVar variation 2808807 (VCV002808807.4), dbSNP rs867960556, ClinGen allele CA381187665.